The following is an entry in ClinVar:

ClinVar aggregate classification (germline): Uncertain significance. Review status: criteria provided, multiple submitters, no conflicts (2 of 4 stars). 11 submissions from 11 submitters: Uncertain significance (8). 3 of the submissions do not count toward it. Last evaluated 2026-04-03.

Conditions:
ELP1-related disorder. Also called: ELP1-related condition.
Familial dysautonomia. Also called: FD; HSAN III. Identifiers: Orphanet 1764, MedGen C0013364, MONDO:0009131, OMIM 223900. Disease mechanism: loss of function.
Medulloblastoma (MDB). Also called: MEDULLOBLASTOMA PREDISPOSITION SYNDROME; Medulloblastoma, somatic. Identifiers: Orphanet 616, MedGen C0025149, MeSH D008527, MONDO:0007959, OMIM 155255, HP:0002885.

Allele frequency attached by ClinVar (database versions not stated): gnomAD 0.00005 and 0.00006; TOPMed 0.00006; ESP Exome Variant Server 0.00008.
gnomAD v4.1: 180 of 1,605,232 alleles (0.011%); highest among the groups gnomAD compares: Non-Finnish European, 0.015%; no homozygotes.

Submissions (12):

PreventionGenetics, part of Exact Sciences
Classification: Uncertain significance for ELP1-related condition. Last evaluated: 2026-04-03. Review status: criteria provided, single submitter. Criteria: ACMG Guidelines, 2015. Collection method: clinical testing. Allele origin: germline.
Comment: The ELP1 c.2803A>T variant is predicted to result in the amino acid substitution p.Thr935Ser. To our knowledge, this variant has not been reported in the literature. This variant is reported in 0.0078% of alleles in individuals of European (Non-Finnish) descent in gnomAD. At this time, the clinical significance of this variant is uncertain due to the absence of conclusive functional and genetic evidence.

Ambry Genetics
Classification: Uncertain significance. Last evaluated: 2024-09-11. Review status: criteria provided, single submitter. Criteria: Ambry Variant Classification Scheme 2023. Collection method: clinical testing. Allele origin: germline.

Fulgent Genetics
Classification: Uncertain significance for Medulloblastoma; Familial dysautonomia. Last evaluated: 2024-02-14. Review status: criteria provided, single submitter. Criteria: ACMG Guidelines, 2015. Collection method: clinical testing. Allele origin: germline.

St. Jude Molecular Pathology, St. Jude Children's Research Hospital
Classification: Uncertain significance for Medulloblastoma. Last evaluated: 2022-12-19. Review status: criteria provided, single submitter. Criteria: St. Jude Assertion Criteria 2020. Collection method: clinical testing. Allele origin: germline.
Comment: The ELP1 c.2803A>T (p.Thr935Ser) missense change has a maximum subpopulation frequency of 0.0078% in gnomAD v2.1.1. The in silico tool REVEL predicts a benign effect on protein function, but to our knowledge this prediction has not been confirmed by functional studies. This variant has been reported in an individual with Charcot-Marie-Tooth disease and in an individual with hereditary motor neuropathy (PMID: 26392352). In summary, the evidence currently available is insufficient to determine the clinical significance of this variant. It has therefore been classified as of uncertain significance.

Labcorp Genetics (formerly Invitae), Labcorp
Classification: Uncertain significance. Last evaluated: 2022-08-10. Review status: criteria provided, single submitter. Criteria: Invitae Variant Classification Sherloc (09022015). Collection method: clinical testing. Allele origin: germline.
Comment: This sequence change replaces threonine, which is neutral and polar, with serine, which is neutral and polar, at codon 935 of the ELP1 protein (p.Thr935Ser). This variant is present in population databases (rs145484092, gnomAD 0.008%). This variant has not been reported in the literature in individuals affected with ELP1-related conditions. ClinVar contains an entry for this variant (Variation ID: 364564). Algorithms developed to predict the effect of missense changes on protein structure and function (SIFT, PolyPhen-2, Align-GVGD) all suggest that this variant is likely to be tolerated. In summary, the available evidence is currently insufficient to determine the role of this variant in disease. Therefore, it has been classified as a Variant of Uncertain Significance.

GeneDx
Classification: Uncertain significance. Last evaluated: 2019-03-21. Review status: criteria provided, single submitter. Criteria: GeneDx Variant Classification Process June 2021. Collection method: clinical testing. Allele origin: germline. Affected: yes.
Comment: Not observed at a significant frequency in large population cohorts (Lek et al., 2016); In silico analysis, which includes protein predictors and evolutionary conservation, supports that this variant does not alter protein structure/function; Has not been previously published as pathogenic or benign to our knowledge

Illumina Laboratory Services, Illumina
Classification: Uncertain significance for Familial dysautonomia. Last evaluated: 2018-01-13. Review status: criteria provided, single submitter. Criteria: ICSL Variant Classification Criteria 13 December 2019. Collection method: clinical testing. Allele origin: germline.

ARUP Laboratories, Molecular Genetics and Genomics, ARUP Laboratories
Classification: Uncertain significance. Last evaluated: 2017-06-15. Review status: criteria provided, single submitter. Criteria: ARUP Molecular Germline Variant Investigation Process. Collection method: clinical testing. Allele origin: germline.
Comment: The p.Thr935Ser variant (rs14548409) has been reported as a variant of uncertain significance that was detected twice in a large cohort of patients with idiopathic peripheral neuropathy (Antoniardi 2015). This variant is also listed in the ClinVar database as a variant of uncertain significance (Variation ID: 364564). It is listed in the Genome Aggregation Database (gnomAD) browser with a frequency in European populations of 0.008% (identified on 10 out of 126,420 chromosomes). The threonine at codon 935 is moderately conserved (Alamut software v2.9.0), however several species including cape golden mole, lizard, Atlantic cod and lamprey have a serine at this position, suggesting this change may be evolutionary tolerated. Computational analyses return mixed predictions regarding the effect on IKBKAP protein structure/function (SIFT: tolerated, PolyPhen2: benign, and Mutation Taster: disease causing).

Natera, Inc.
Classification: Uncertain significance for Familial dysautonomia. Last evaluated: 2020-09-16. Review status: no assertion criteria provided. Collection method: clinical testing. Allele origin: germline. Not counted in ClinVar's aggregate classification.

Clinical Genetics, Academic Medical Center
Classification: Uncertain significance. Review status: no assertion criteria provided. Collection method: clinical testing. Allele origin: germline. Affected: yes. Study: VKGL Data-share Consensus. Not counted in ClinVar's aggregate classification.

Dr. Peter K. Rogan Lab, Western University
No classification provided (evidence only). Condition: Melanoma. Review status: no classification provided. Collection method: in vitro. Allele origin: not applicable. Functional consequence: retained intron. Not counted in ClinVar's aggregate classification.

Genome Diagnostics Laboratory, University Medical Center Utrecht
Classification: Uncertain significance. Review status: no assertion criteria provided. Collection method: clinical testing. Allele origin: germline. Affected: yes. Study: VKGL Data-share Consensus. Not counted in ClinVar's aggregate classification.

NM_003640.5(ELP1):c.2803A>T (p.Thr935Ser)

Gene: ELP1 (elongator acetyltransferase complex subunit 1; minus strand). Cytogenetic location: 9q31.3.
Variant type: single nucleotide variant.
Coding change: c.2803A>T on transcript NM_003640.5 (MANE Select); coding-DNA position 2803, A replaced by T.
Protein change: p.Thr935Ser; replaces threonine 935 with serine.
Molecular consequence: missense variant.
Genome position (GRCh38, 1-based): chr9:108,894,000, T>A on the plus strand (A>T on the coding strand, the complement: ELP1 is on the minus strand). VCF-style: chr9-108894000-T-A. GRCh37 (hg19) VCF-style: chr9-111656280-T-A.
Other names: c.2803A>T (LRG_251t1); c.2461A>T, p.Thr821Ser (NM_001318360.2); c.1756A>T, p.Thr586Ser (NM_001330749.2); short protein forms T935S, T821S, T586S.
Identifiers: ClinVar variation 364564 (VCV000364564.27), dbSNP rs145484092, ClinGen allele CA5174532.